The following is an entry in ClinVar:

ClinVar aggregate classification (germline): Uncertain significance (1 of 4 stars; one submission).

Allele frequency attached by ClinVar (database versions not stated): ExAC 0.00001.

Submission:

Labcorp Genetics (formerly Invitae), Labcorp
Classification: Uncertain significance. Last evaluated: 2023-03-28. Review status: criteria provided, single submitter. Criteria: Invitae Variant Classification Sherloc (09022015). Collection method: clinical testing. Allele origin: germline.
Comment: This sequence change replaces asparagine, which is neutral and polar, with serine, which is neutral and polar, at codon 114 of the ROBO2 protein (p.Asn114Ser). This variant is present in population databases (rs762068382, gnomAD 0.0009%). This variant has not been reported in the literature in individuals affected with ROBO2-related conditions. In summary, the available evidence is currently insufficient to determine the role of this variant in disease. Therefore, it has been classified as a Variant of Uncertain Significance. Advanced modeling of protein sequence and biophysical properties (such as structural, functional, and spatial information, amino acid conservation, physicochemical variation, residue mobility, and thermodynamic stability) performed at Invitae indicates that this missense variant is not expected to disrupt ROBO2 protein function.

NM_001395656.1(ROBO2):c.341A>G (p.Asn114Ser)

Gene: ROBO2 (roundabout guidance receptor 2; plus strand). Cytogenetic location: 3p12.3.
Variant type: single nucleotide variant.
Coding change: c.341A>G on transcript NM_001395656.1 (MANE Select); coding-DNA position 341, A replaced by G.
Protein change: p.Asn114Ser; replaces asparagine 114 with serine.
Molecular consequence: missense variant. On other transcripts: 5 prime UTR variant (1).
Genome position (GRCh38, 1-based): chr3:77,098,293, A>G. VCF-style: chr3-77098293-A-G. GRCh37 (hg19) VCF-style: chr3-77147444-A-G.
Other names: c.389A>G, p.Asn130Ser (NM_001128929.3, NM_001378190.1, NM_001378191.1 and 5 more transcripts); c.341A>G, p.Asn114Ser (NM_001290039.2, NM_001290040.2, NM_001378193.1 and 3 more transcripts); c.-1578A>G (NM_001290065.2); c.410A>G, p.Asn137Ser (NM_001378192.1, NM_001394212.1, NM_001394213.1 and 5 more transcripts); short protein forms N114S, N130S, N137S.
Identifiers: ClinVar variation 3007667 (VCV003007667.3), dbSNP rs762068382, ClinGen allele CA2496692.